The following is an entry in ClinVar:

NM_053025.4(MYLK):c.3653G>A (p.Ser1218Asn)

Gene: MYLK (myosin light chain kinase; minus strand). Cytogenetic location: 3q21.1.
Variant type: single nucleotide variant.
Coding change: c.3653G>A on transcript NM_053025.4 (MANE Select); coding-DNA position 3653, G replaced by A.
Protein change: p.Ser1218Asn; replaces serine 1218 with asparagine.
Molecular consequence: missense variant.
Genome position (GRCh38, 1-based): chr3:123,667,187, C>T on the plus strand (G>A on the coding strand, the complement: MYLK is on the minus strand). VCF-style: chr3-123667187-C-T. GRCh37 (hg19) VCF-style: chr3-123386034-C-T.
Other names: c.3653G>A (NM_053025.3); c.3125G>A, p.Ser1042Asn (NM_001321309.2); c.3446G>A, p.Ser1149Asn (NM_053026.4, NM_053028.4); c.3653G>A, p.Ser1218Asn (NM_053027.4); short protein forms S1218N, S1042N, S1149N.
Identifiers: ClinVar variation 2917080 (VCV002917080.5), dbSNP rs1442851344, ClinGen allele CA16622004.
Genomic context (GRCh38, chr3:123,667,187, plus strand): 5'-GGCCAATTACCTGCCTTCGGAGGTGTCTTGGGGGCAGGTTTCTTTTTCACAGTCGCATCA[C>T]CTGAAACAAAGAAGTTCACAAGTTATTTCCTGTAGTTCTGTTTTTTTCACAAAGCTCCTG-3'
Protein context (NP_444253.3, residues 1208-1228): SSLPPVLGTE[Ser1218Asn]DATVKKKPAP

ClinVar aggregate classification (germline): Uncertain significance. Review status: criteria provided, multiple submitters, no conflicts (2 of 4 stars). 2 submissions from 2 submitters: Uncertain significance (2). Last evaluated 2025-05-25.

Conditions:
Aortic aneurysm, familial thoracic 7 (AAT7). Also called: AORTIC DISSECTION, FAMILIAL, WITH OR WITHOUT AORTIC ANEURYSM. Identifiers: MedGen C3151077, MONDO:0013418, OMIM 613780.

Allele frequency attached by ClinVar (database versions not stated): gnomAD exomes 0.00001.
gnomAD v4.1: 11 of 1,614,124 alleles (0.00068%); highest among the groups gnomAD compares: Non-Finnish European, 0.00085%; no homozygotes.

Submissions (2):

Labcorp Genetics (formerly Invitae), Labcorp
Classification: Uncertain significance for Aortic aneurysm, familial thoracic 7. Last evaluated: 2025-05-25. Review status: criteria provided, single submitter. Criteria: Invitae Variant Classification Sherloc (09022015). Collection method: clinical testing. Allele origin: germline.
Comment: This sequence change replaces serine, which is neutral and polar, with asparagine, which is neutral and polar, at codon 1218 of the MYLK protein (p.Ser1218Asn). This variant is present in population databases (no rsID available, gnomAD 0.0009%). This variant has not been reported in the literature in individuals affected with MYLK-related conditions. ClinVar contains an entry for this variant (Variation ID: 2917080). An algorithm developed to predict the effect of missense changes on protein structure and function (PolyPhen-2) suggests that this variant is likely to be tolerated. In summary, the available evidence is currently insufficient to determine the role of this variant in disease. Therefore, it has been classified as a Variant of Uncertain Significance.

GeneDx
Classification: Uncertain significance. Last evaluated: 2024-12-12. Review status: criteria provided, single submitter. Criteria: GeneDx Variant Classification Process June 2021. Collection method: clinical testing. Allele origin: germline.
Comment: Not observed at significant frequency in large population cohorts (gnomAD); In silico analysis indicates that this missense variant does not alter protein structure/function; Has not been previously published as pathogenic or benign to our knowledge